The following is an entry in ClinVar:

ClinVar aggregate classification (germline): Uncertain significance. Review status: criteria provided, multiple submitters, no conflicts (2 of 4 stars). 2 submissions from 2 submitters: Uncertain significance (2). Last evaluated 2025-06-01.

Conditions:
Cardiovascular phenotype. Identifiers: MedGen CN230736.
Progressive familial heart block type IB (PFHB1B). Identifiers: Orphanet 871, MedGen C1970298, MONDO:0011474, OMIM 604559.

Allele frequency attached by ClinVar (database versions not stated): gnomAD exomes below 0.00001; ExAC 0.00001.
gnomAD v4.1: 3 of 1,614,014 alleles (0.00019%); highest among the groups gnomAD compares: Admixed American, 0.0017%; no homozygotes.

Submissions (2):

Ambry Genetics
Classification: Uncertain significance for Cardiovascular phenotype. Last evaluated: 2025-06-01. Review status: criteria provided, single submitter. Criteria: Ambry Variant Classification Scheme 2023. Collection method: clinical testing. Allele origin: germline.
Comment: The p.S1098G variant (also known as c.3292A>G), located in coding exon 21 of the TRPM4 gene, results from an A to G substitution at nucleotide position 3292. The serine at codon 1098 is replaced by glycine, an amino acid with similar properties. This amino acid position is conserved. In addition, this alteration is predicted to be tolerated by in silico analysis. Based on the available evidence, the clinical significance of this variant remains unclear.

Labcorp Genetics (formerly Invitae), Labcorp
Classification: Uncertain significance for Progressive familial heart block type IB. Last evaluated: 2025-01-07. Review status: criteria provided, single submitter. Criteria: Invitae Variant Classification Sherloc (09022015). Collection method: clinical testing. Allele origin: germline.
Comment: This sequence change replaces serine, which is neutral and polar, with glycine, which is neutral and non-polar, at codon 1098 of the TRPM4 protein (p.Ser1098Gly). This variant is present in population databases (rs768503292, gnomAD 0.003%). This variant has not been reported in the literature in individuals affected with TRPM4-related conditions. ClinVar contains an entry for this variant (Variation ID: 1517812). An algorithm developed to predict the effect of missense changes on protein structure and function (PolyPhen-2) suggests that this variant¬†is likely to be tolerated. In summary, the available evidence is currently insufficient to determine the role of this variant in disease. Therefore, it has been classified as a Variant of Uncertain Significance.

NM_017636.4(TRPM4):c.3292A>G (p.Ser1098Gly)

Gene: TRPM4 (transient receptor potential cation channel subfamily M member 4; plus strand). Cytogenetic location: 19q13.33.
Variant type: single nucleotide variant.
Coding change: c.3292A>G on transcript NM_017636.4 (MANE Select); coding-DNA position 3292, A replaced by G.
Protein change: p.Ser1098Gly; replaces serine 1098 with glycine.
Molecular consequence: missense variant.
Genome position (GRCh38, 1-based): chr19:49,210,369, A>G. VCF-style: chr19-49210369-A-G. GRCh37 (hg19) VCF-style: chr19-49713626-A-G.
Other names: c.2857A>G, p.Ser953Gly (NM_001195227.2); c.2947A>G, p.Ser983Gly (NM_001321281.2); c.1684A>G, p.Ser562Gly (NM_001321282.2); c.2770A>G, p.Ser924Gly (NM_001321283.2); c.2230A>G, p.Ser744Gly (NM_001321285.2); c.3292A>G (NM_017636.3); short protein forms S1098G, S744G, S924G, S562G, S953G, S983G.
Identifiers: ClinVar variation 1517812 (VCV001517812.6), dbSNP rs768503292, ClinGen allele CA9569841.